The following is an entry in ClinVar:

NM_014009.4(FOXP3):c.-28A>G

Gene: FOXP3 (forkhead box P3; minus strand). Cytogenetic location: Xp11.23.
Variant type: single nucleotide variant.
Coding change: c.-28A>G on transcript NM_014009.4 (MANE Select); 28 bases upstream of the start codon, A replaced by G.
Molecular consequence: 5 prime UTR variant.
Genome position (GRCh38, 1-based): chrX:49,264,666, T>C on the plus strand (A>G on the coding strand, the complement: FOXP3 is on the minus strand). VCF-style: chrX-49264666-T-C. GRCh37 (hg19) VCF-style: chrX-49121128-T-C.
Other names: c.-28A>G (NM_001114377.2).
Identifiers: ClinVar variation 3052581 (VCV003052581.2), dbSNP rs1243649325, ClinGen allele CA641531400.

ClinVar aggregate classification (germline): Likely benign (0 of 4 stars; one submission).

Conditions:
FOXP3-related disorder. Also called: FOXP3-related condition.

Allele frequency attached by ClinVar (database versions not stated): gnomAD exomes 0.00001; gnomAD 0.00014; TOPMed 0.00019.
gnomAD v4.1: 20 of 751,165 alleles (0.0027%); highest among the groups gnomAD compares: African/African-American, 0.047%; no homozygotes.

Submission:

PreventionGenetics, part of Exact Sciences
Classification: Likely benign for FOXP3-related condition. Last evaluated: 2019-08-28. Review status: no assertion criteria provided. Collection method: clinical testing. Allele origin: germline.
Comment: This variant is classified as likely benign based on ACMG/AMP sequence variant interpretation guidelines (Richards et al. 2015 PMID: 25741868, with internal and published modifications).